The following is an entry in ClinVar:

NM_018897.3(DNAH7):c.5341T>C (p.Phe1781Leu)

Gene: DNAH7 (dynein axonemal heavy chain 7; minus strand). Cytogenetic location: 2q32.3.
Variant type: single nucleotide variant.
Coding change: c.5341T>C on transcript NM_018897.3 (MANE Select); coding-DNA position 5341, T replaced by C.
Protein change: p.Phe1781Leu; replaces phenylalanine 1781 with leucine.
Molecular consequence: missense variant.
Genome position (GRCh38, 1-based): chr2:195,888,323, A>G on the plus strand (T>C on the coding strand, the complement: DNAH7 is on the minus strand). VCF-style: chr2-195888323-A-G. GRCh37 (hg19) VCF-style: chr2-196753047-A-G.
Other names: short protein forms F1781L.
Identifiers: ClinVar variation 4869972 (VCV004869972.1).

ClinVar aggregate classification (germline): Uncertain significance (1 of 4 stars; one submission).

gnomAD v4.1: 15 of 1,611,592 alleles (0.00093%); highest among the groups gnomAD compares: African/African-American, 0.015%; no homozygotes.

Submission:

Ambry Genetics
Classification: Uncertain significance. Last evaluated: 2026-04-08. Review status: criteria provided, single submitter. Criteria: Ambry Variant Classification Scheme 2023. Collection method: clinical testing. Allele origin: germline.
Comment: The c.5341T>C (p.F1781L) alteration is located in exon 33 (coding exon 33) of the DNAH7 gene. This alteration results from a T to C substitution at nucleotide position 5341, causing the phenylalanine (F) at amino acid position 1781 to be replaced by a leucine (L). Based on data from gnomAD, the C allele has an overall frequency of 0.003% (7/277690) total alleles studied. The highest observed frequency was 0.017% (4/23988) of African alleles. Based on insufficient or conflicting evidence, the clinical significance of this alteration remains unclear.